The following is an entry in ClinVar:

NM_032444.4(SLX4):c.1699C>T (p.Pro567Ser)

Gene: SLX4 (SLX4 structure-specific endonuclease subunit; minus strand). Cytogenetic location: 16p13.3.
Variant type: single nucleotide variant.
Coding change: c.1699C>T on transcript NM_032444.4 (MANE Select); coding-DNA position 1699, C replaced by T.
Protein change: p.Pro567Ser; replaces proline 567 with serine.
Molecular consequence: missense variant.
Genome position (GRCh38, 1-based): chr16:3,596,378, G>A on the plus strand (C>T on the coding strand, the complement: SLX4 is on the minus strand). VCF-style: chr16-3596378-G-A. GRCh37 (hg19) VCF-style: chr16-3646379-G-A.
Other names: short protein forms P567S.
Identifiers: ClinVar variation 1030972 (VCV001030972.1), dbSNP rs765739226, ClinGen allele CA7866435.

ClinVar aggregate classification (germline): Uncertain significance (1 of 4 stars; one submission).

Conditions:
Fanconi anemia complementation group P. Also called: SLX4-Related Fanconi Anemia. Identifiers: Orphanet 84, MedGen C3469542, MONDO:0013499, OMIM 613951.

Allele frequency attached by ClinVar (database versions not stated): gnomAD exomes below 0.00001; ExAC 0.00002.

Submission:

Baylor Genetics
Classification: Uncertain significance for Fanconi anemia complementation group P. Last evaluated: 2019-08-08. Review status: criteria provided, single submitter. Criteria: ACMG Guidelines, 2015. Collection method: clinical testing. Allele origin: unknown. Affected: yes.
Comment: This variant was determined to be of uncertain significance according to ACMG Guidelines, 2015 [PMID:25741868].